The following is an entry in ClinVar:

ClinVar aggregate classification (germline): Likely pathogenic (1 of 4 stars; one submission).

Conditions:
Hereditary cancer-predisposing syndrome. Also called: Tumor predisposition; Neoplastic Syndromes, Hereditary; Hereditary Cancer Syndrome; Hereditary neoplastic syndrome. Identifiers: Orphanet 140162, MedGen C0027672, MeSH D009386, MONDO:0015356.

Submission:

Ambry Genetics
Classification: Likely pathogenic for Hereditary cancer-predisposing syndrome. Last evaluated: 2020-06-02. Review status: criteria provided, single submitter. Criteria: Ambry Variant Classification Scheme 2023. Collection method: clinical testing. Allele origin: germline.
Comment: The c.320-10_375del66 intronic variant results from a deletion of 66 nucleotides, spanning intron 1 through coding exon 2 of the CHEK2 gene. This nucleotide region is not well conserved in available vertebrate species. Using the BDGP and ESEfinder splice site prediction tools, this alteration is expected to abolish the native splice acceptor site; however, direct evidence is unavailable. Alterations that disrupt the canonical splice site are expected to cause aberrant splicing, resulting in an abnormal protein or a transcript that is subject to nonsense-mediated mRNA decay. As such, this alteration is classified as likely pathogenic.

Literature cited by the submitters: PubMed 24549055; PubMed 24686850.

NM_007194.4(CHEK2):c.320-10_375del

Gene: CHEK2 (checkpoint kinase 2; minus strand). Cytogenetic location: 22q12.1.
Variant type: Deletion.
Coding change: c.320-10_375del on transcript NM_007194.4 (MANE Select); 10 bases into the intron before coding-DNA position 320 through coding-DNA position 375, 66 bases deleted.
Molecular consequence: splice acceptor variant.
Genome position (GRCh38, 1-based): chr22:28,725,312-28,725,377, 66 bases deleted. GRCh37 (hg19): chr22:29,121,306-29,121,371.
Other names: c.-344-10_-289del (NM_001437942.1); c.320-10_375del (NM_001349956.3, NM_145862.3); c.-458-10_-403del (NM_001257387.3); c.413-10_468del (NM_001438295.1, NM_001438293.1); c.449-10_504del (NM_001438294.1, NM_001005735.3).
Identifiers: ClinVar variation 1728821 (VCV001728821.2), dbSNP rs2518059974, ClinGen allele CA2580099520.